The following is an entry in ClinVar:

ClinVar aggregate classification (germline): Benign/Likely benign. Review status: criteria provided, multiple submitters, no conflicts (2 of 4 stars). 7 submissions from 7 submitters: Benign (1); Likely benign (6). Last evaluated 2026-05-08.

Conditions:
Hereditary diffuse gastric adenocarcinoma (HDGC). Also called: DIFFUSE GASTRIC AND LOBULAR BREAST CANCER SYNDROME. Identifiers: Orphanet 26106, MedGen C1708349, MONDO:0007648, OMIM 137215.
Hereditary cancer-predisposing syndrome. Also called: Neoplastic Syndromes, Hereditary; Tumor predisposition; Hereditary Cancer Syndrome; Hereditary neoplastic syndrome. Identifiers: Orphanet 140162, MedGen C0027672, MeSH D009386, MONDO:0015356.

Allele frequency attached by ClinVar (database versions not stated): gnomAD exomes 0.00001.

Submissions (7):

Women's Health and Genetics/Laboratory Corporation of America, LabCorp
Classification: Likely benign. Last evaluated: 2026-05-08. Review status: criteria provided, single submitter. Criteria: LabCorp Variant Classification Summary - May 2015. Collection method: clinical testing. Allele origin: germline.

Labcorp Genetics (formerly Invitae), Labcorp
Classification: Likely benign for Hereditary diffuse gastric adenocarcinoma. Last evaluated: 2025-09-19. Review status: criteria provided, single submitter. Criteria: Invitae Variant Classification Sherloc (09022015). Collection method: clinical testing. Allele origin: germline.

Myriad Genetics, Inc.
Classification: Benign for Hereditary diffuse gastric adenocarcinoma. Last evaluated: 2024-09-19. Review status: criteria provided, single submitter. Criteria: Myriad Autosomal Dominant, Autosomal Recessive and X-Linked Classification Criteria (2023). Collection method: clinical testing. Allele origin: unknown.
Comment: This variant is considered benign. This variant is a silent/synonymous amino acid change and it is not expected to impact splicing.

Sema4
Classification: Likely benign for Hereditary cancer-predisposing syndrome. Last evaluated: 2021-05-19. Review status: criteria provided, single submitter. Criteria: Sema4 Curation Guidelines. Collection method: curation. Allele origin: germline.

Color Diagnostics, LLC DBA Color Health
Classification: Likely benign for Hereditary cancer-predisposing syndrome. Last evaluated: 2020-03-01. Review status: criteria provided, single submitter. Criteria: ACMG Guidelines, 2015. Collection method: clinical testing. Allele origin: germline.

GeneDx
Classification: Likely benign. Last evaluated: 2020-01-31. Review status: criteria provided, single submitter. Criteria: GeneDx Variant Classification Process June 2021. Collection method: clinical testing. Allele origin: germline. Affected: yes.

Ambry Genetics
Classification: Likely benign for Hereditary cancer-predisposing syndrome. Last evaluated: 2016-09-10. Review status: criteria provided, single submitter. Criteria: Ambry Variant Classification Scheme 2023. Collection method: clinical testing. Allele origin: germline.

NM_004360.5(CDH1):c.1569T>C (p.Tyr523=)

Gene: CDH1 (cadherin 1; plus strand). Cytogenetic location: 16q22.1.
Variant type: single nucleotide variant.
Coding change: c.1569T>C on transcript NM_004360.5 (MANE Select); coding-DNA position 1569, T replaced by C.
Protein change: p.Tyr523=; no amino-acid change (tyrosine 523 retained).
Molecular consequence: synonymous variant. On other transcripts: intron variant (1).
Genome position (GRCh38, 1-based): chr16:68,819,283, T>C. VCF-style: chr16-68819283-T-C. GRCh37 (hg19) VCF-style: chr16-68853186-T-C.
Other names: c.1569T>C (LRG_301t1); c.1386T>C, p.Tyr462= (NM_001317184.2); c.21T>C, p.Tyr7= (NM_001317185.2); c.-254-2718T>C (NM_001317186.2).
Identifiers: ClinVar variation 232354 (VCV000232354.33), dbSNP rs876659716, ClinGen allele CA10580125.